The following is an entry in ClinVar:

ClinVar aggregate classification (germline): Pathogenic. Review status: criteria provided, multiple submitters, no conflicts (2 of 4 stars). 6 submissions from 6 submitters: Pathogenic (4). 2 of the submissions do not count toward it. Last evaluated 2025-04-13.

Conditions:
Joubert syndrome 17 (JBTS17). Identifiers: Orphanet 475, MedGen C3553264, MONDO:0013824, OMIM 614615.
Orofaciodigital syndrome type 6 (OFD6). Also called: Oral-facial-digital syndrome type 6; Central polydactyly cleft lip/palate or lingual lump and psychomotor retardation; Y-shaped central metacarpal and cerebellar defect; Joubert syndrome with orofacialdigital anomalies; OROFACIODIGITAL SYNDROME VI; OFDS VI. Identifiers: Orphanet 2754, MedGen C2745997, MONDO:0010176, OMIM 277170.

Allele frequency attached by ClinVar (database versions not stated): gnomAD exomes below 0.00001; gnomAD 0.00002.
gnomAD v4.1: 21 of 1,612,502 alleles (0.0013%); highest among the groups gnomAD compares: African/African-American, 0.0053%; no homozygotes.

Submissions (6):

Dasa
Classification: Pathogenic. Last evaluated: 2025-04-13. Review status: criteria provided, single submitter. Criteria: DASA Assertion Criteria. Collection method: clinical testing. Allele origin: germline.
Comment: NM_001384732.1(CPLANE1):c.4804C>T (p.Arg1602*) introduces a premature stop codon predicted to result in nonsense-mediated decay. Loss-of-function is an established mechanism of disease for this gene. The variant has been reported in individuals with Joubert syndrome in trans with another pathogenic variant (PMID: 22425360) and is present at low frequency in population datasets. Based on the available data, this variant is classified as pathogenic.

Labcorp Genetics (formerly Invitae), Labcorp
Classification: Pathogenic. Last evaluated: 2025-03-17. Review status: criteria provided, single submitter. Criteria: Invitae Variant Classification Sherloc (09022015). Collection method: clinical testing. Allele origin: germline.
Comment: This sequence change creates a premature translational stop signal (p.Arg1602*) in the CPLANE1 gene. It is expected to result in an absent or disrupted protein product. Loss-of-function variants in CPLANE1 are known to be pathogenic (PMID: 24178751, 26092869). This variant is present in population databases (rs367543063, gnomAD 0.004%). This premature translational stop signal has been observed in individual(s) with Joubert syndrome (PMID: 22425360). ClinVar contains an entry for this variant (Variation ID: 31222). Algorithms developed to predict the effect of variants on gene product structure and function are not available or were not evaluated for this variant. Experimental studies have shown that this premature translational stop signal affects CPLANE1 function (PMID: 27158779). For these reasons, this variant has been classified as Pathogenic.

GeneDx
Classification: Pathogenic. Last evaluated: 2025-02-25. Review status: criteria provided, single submitter. Criteria: GeneDx Variant Classification Process June 2021. Collection method: clinical testing. Allele origin: germline. Affected: yes.
Comment: Nonsense variant predicted to result in protein truncation or nonsense mediated decay in a gene for which loss of function is a known mechanism of disease; Not observed at significant frequency in large population cohorts (gnomAD); Published functional studies suggest a damaging effect by significantly affecting recruitment of CPLANE1, IFT-A, and Intu to basal bodies (PMID: 27158779); This variant is associated with the following publications: (PMID: 34426522, 22425360, 34367232, 27158779)

Fulgent Genetics
Classification: Pathogenic for Orofaciodigital syndrome type 6; Joubert syndrome 17. Last evaluated: 2024-06-19. Review status: criteria provided, single submitter. Criteria: ACMG Guidelines, 2015. Collection method: clinical testing. Allele origin: germline.

OMIM
Classification: Pathogenic for JOUBERT SYNDROME 17. Last evaluated: 2012-04-06. Review status: no assertion criteria provided. Collection method: literature only. Allele origin: germline. Not counted in ClinVar's aggregate classification.

GeneReviews
No classification provided. Condition: Joubert syndrome 17. Review status: no classification provided. Collection method: literature only. Allele origin: germline. Not counted in ClinVar's aggregate classification.

Literature cited by the submitters: PubMed 22425360 (cited by 3 submitters); PubMed 24178751 (cited by Labcorp Genetics (formerly Invitae), Labcorp); PubMed 26092869 (cited by Labcorp Genetics (formerly Invitae), Labcorp); PubMed 27158779 (cited by Labcorp Genetics (formerly Invitae), Labcorp and OMIM); NCBI Bookshelf NBK1325 (cited by GeneReviews); PubMed 20301500 (cited by GeneReviews).

NM_001384732.1(CPLANE1):c.4804C>T (p.Arg1602Ter)

Gene: CPLANE1 (ciliogenesis and planar polarity effector complex subunit 1; minus strand). Cytogenetic location: 5p13.2.
Variant type: single nucleotide variant.
Coding change: c.4804C>T on transcript NM_001384732.1 (MANE Select); coding-DNA position 4804, C replaced by T.
Protein change: p.Arg1602Ter; replaces arginine 1602 with a stop codon.
Molecular consequence: nonsense.
Genome position (GRCh38, 1-based): chr5:37,183,377, G>A on the plus strand (C>T on the coding strand, the complement: CPLANE1 is on the minus strand). VCF-style: chr5-37183377-G-A. GRCh37 (hg19) VCF-style: chr5-37183479-G-A.
Other names: c.4804C>T, p.Arg1602Ter (NM_023073.4); short protein forms R1602*.
Identifiers: ClinVar variation 31222 (VCV000031222.13), dbSNP rs367543063, ClinGen allele CA342794.